The following continues an entry in ClinVar:

NM_000169.3(GLA):c.196G>C (p.Glu66Gln)

ClinVar aggregate classification (germline): Conflicting classifications of pathogenicity. Uncertain significance (7); Likely benign (6).

Submissions 6 to 15 of 15:

Women's Health and Genetics/Laboratory Corporation of America, LabCorp
Classification: Uncertain significance. Last evaluated: 2023-03-09. Review status: criteria provided, single submitter. Criteria: LabCorp Variant Classification Summary - May 2015. Collection method: clinical testing. Allele origin: germline.
Comment: Variant summary: GLA c.196G>C (p.Glu66Gln) results in a conservative amino acid change in the encoded protein sequence. Four of five in-silico tools predict a damaging effect of the variant on protein function. The variant allele was found at a frequency of 0.0023 in 249895 control chromosomes, predominantly at a frequency of 0.008 within the Japanese subpopulation, and including at least 88 hemizygous males and 3 homozygous females (gnomAD v2, Lee_2010, jMorp database, Tadaka_2021). The observed variant frequency within the Japanese subpopulation is approximately 1.6 fold of the estimated maximal expected allele frequency for a pathogenic variant in GLA causing Fabry disease (0.005) in control chromomes, suggesting that the variant is benign. c.196G>C has been reported in the literature in sequencing studies of individuals affected with a variety of Fabry disease-related phenotypes. A comprehensive review of literature spanning over two decades identified its occurrence in patients with reported/suspected diagnosis of Fabry disease (example, Ishii_1992, Park_2009, Lee_2010, Shimotori_2007, Sakuraba_2018), cohorts of male hemodialysis patients (Doi_2012, Maruyama_2013), patients on maintenance dialysis (Nishino_2012), male ischemic stroke (Nakamura_2013, Nagamatsu_2017) and newborn screening (Hwu_2009). It has also been observed in at least one case control study of patients with chronic kidney disease in whom no association with disease progression was identified (Watanabe_2015). Notably many studies ascertained above also reported this variant in patients with normal levels of lyso Gb3, a common biomarker for Fabry disease (example, Sakuraba_2018). The variant was reported in two hemizygous brothers with suspected cardiac Fabry disease (Yoshitama_2001) and also to co-segregate with the phenotype of chronic glomerulonephritis in one large Chinese family (Peng_2016). Additional reports of similar co-segregation in other kindreds will help corroborate these findings. In summary, these reports do not provide evidence for an unequivocal association of this variant with the phenotype of classic Fabry disease. Several publications report experimental evidence evaluating an impact on protein function with variable findings on GLA enzyme activities in-vitro in transfected cells and patient leukocytes. The most pronounced variant effect results in less than 10% activity in some studies (example, Peng_2016, patient leukocytes),but 30%-50% of normal activity in many others (example, Park_2009, Shimotori_2007, Hwu_2009 in transfected cells). Furthermore, at least one in-vitro study evaluating kinetic parameters reported some instability at a neutral pH of 7.5 (reflective of the environment in the ER lumen) despite no impact on the enzyme kinetic properties at pH 4.5 (example, Ishii_2007). Therefore, given the wide variability in reported activities across a cross section of studies evaluated, an exact in-vivo impact of these findings on the associated pathophysiology of Fabry disease is not apparent. Eight ClinVar submitters (evaluation after 2014) have cited the variant, at-least one of whom reported other distinct and separate publications from those summarized above. These submitters reported the variant with conflicting assessments (likely benign, n=5; VUS, n=3). Based on the evidence outlined above, the variant was classified as uncertain significance and may be associated with risk for late-onset, non-classic presentations of Fabry disease among individuals of East Asian ethnicities.

3billion
Classification: Likely benign for Fabry disease. Last evaluated: 2022-05-22. Review status: criteria provided, single submitter. Criteria: ACMG Guidelines, 2015. Collection method: clinical testing. Allele origin: germline. Inheritance: X-linked inheritance. Affected: no. Observed: 1 hemizygote.
Comment: This variant is observed at a frequency of 0.148% within East Asian subpopulation with 5 hemizygous male in gnomAD v2.1.1 dataset (BS1_S, BS2_S, total allele frequency: 0.01%). Missense variant of GLA gene is a common mechanism associated with Fabry disease (PP2_P). In silico prediction tools and conservation analysis predicted that this variant was probably damaging to the protein structure/function (PP3_P, 3CNET: 0.990, REVEL: 0.926). Therefore, this variant is classified as likely benign according to the recommendation of ACMG/AMP guideline.

Genome-Nilou Lab
Classification: Likely benign for Fabry disease. Last evaluated: 2021-07-15. Review status: criteria provided, single submitter. Criteria: ACMG Guidelines, 2015. Collection method: clinical testing. Allele origin: germline. Affected: no.

Mendelics
Classification: Likely benign for Fabry disease. Last evaluated: 2019-05-28. Review status: criteria provided, single submitter. Criteria: Mendelics Assertion Criteria 2017. Collection method: clinical testing. Allele origin: unknown.

Color Diagnostics, LLC DBA Color Health
Classification: Likely benign for Fabry disease. Last evaluated: 2019-01-15. Review status: criteria provided, single submitter. Criteria: ACMG Guidelines, 2015. Collection method: clinical testing. Allele origin: germline.

Eurofins Ntd Llc (ga)
Classification: Uncertain significance. Last evaluated: 2017-08-07. Review status: criteria provided, single submitter. Criteria: EGL Classification Definitions 2015. Collection method: clinical testing. Allele origin: germline. Observed: 1 variant allele, 1 heterozygote.

Illumina Laboratory Services, Illumina
Classification: Uncertain significance for Fabry disease. Last evaluated: 2017-04-27. Review status: criteria provided, single submitter. Criteria: ICSL Variant Classification Criteria 13 December 2019. Collection method: clinical testing. Allele origin: germline.
Comment: This variant was observed as part of a predisposition screen in an ostensibly healthy population. A literature search was performed for the gene, cDNA change, and amino acid change (where applicable). Publications were found based on this search. However, the evidence from the literature, in combination with allele frequency data from public databases where available, was not sufficient to rule this variant in or out of causing disease. Therefore, this variant is classified as a variant of unknown significance.

GeneDx
Classification: Likely benign. Last evaluated: 2017-04-05. Review status: criteria provided, single submitter. Criteria: GeneDx Variant Classification (06012015). Collection method: clinical testing. Allele origin: germline. Affected: yes.
Comment: This variant is considered likely benign or benign based on one or more of the following criteria: it is a conservative change, it occurs at a poorly conserved position in the protein, it is predicted to be benign by multiple in silico algorithms, and/or has population frequency not consistent with disease.

PreventionGenetics, part of Exact Sciences
Classification: Uncertain significance for GLA-related condition. Last evaluated: 2024-08-30. Review status: no assertion criteria provided. Collection method: clinical testing. Allele origin: germline. Not counted in ClinVar's aggregate classification.
Comment: The GLA c.196G>C variant is predicted to result in the amino acid substitution p.Glu66Gln. This variant occurs relatively frequently in the gnomAD general population database, with a subpopulation allele frequency as high as 0.15% in East Asian individuals and 5 hemizygous individuals documented. However, it has also been identified in a large number of individuals with Fabry disease (Ishii et al. 1992. PubMed ID: 1315715; Park et al. 2009. PubMed ID: 19287194; Lee et al. 2010. PubMed ID: 20505683; Shimotori et al. 2008. PubMed ID: 18205205; Sakuraba et al. 2018. PubMed ID: 30386727) and non-classic Fabry disease, mostly with singular clinical features including kidney disease (Doi et al. 2012. PubMed ID: 22695894; Watanabe et al. 2015. PubMed ID: 24718812; Satomura et al. 2015. PubMed ID: 26179544; Kobayashi et al. 2012. PubMed ID: 23146289), stroke (Nakamura et al. 2014. PubMed ID: 23724928), hypertrophic cardiomyopathy (Oikawa et al. 2016. PubMed ID: 27160240), and among newborns with abnormal newborn screening results (Hwu et al. 2009. PubMed ID: 19621417). This variant has been reported to co-segregate with kidney disease in one family (Peng et al. 2016. PubMed ID: 26456105). Of note, affected patients harboring the p.Gly66Gln variant often have normal levels of lyso Gb3, a biomarker of Fabry disease (see for example Sakuraba et al. 2018. PubMed ID: 30386727). Analysis of alpha-galactosidase A enzyme activity has produced conflicting results, with some studies reporting less than 10% activity (Peng et al. 2016. PubMed ID: 26456105) and many others reporting 30-60% of normal activity (Park et al. 2009. PubMed ID: 19287194; Hwu et al. 2009. PubMed ID: 19621417; Shimotori et al. 2008. PubMed ID: 18205205; Sakuraba et al. 2018. PubMed ID: 30386727). We suspect that this variant may be benign; however, it is possible that this variant may contribute to Fabry disease phenotypes with incomplete penetrance. Therefore, at this time, we interpret it to be a variant of uncertain significance due to conflicting genetic and functional data.

Laboratory for Molecular Medicine, Mass General Brigham Personalized Medicine
Classification: Uncertain significance. Last evaluated: 2013-02-11. Review status: no assertion criteria provided. Collection method: clinical testing. Allele origin: germline. Observed: 1 variant allele. Not counted in ClinVar's aggregate classification.
Comment: proposed classification - variant undergoing re-assessment, contact laboratory

Literature cited by the submitters: PubMed 28275245 (cited by Genomenon, Inc and Women's Health and Genetics/Laboratory Corporation of America, LabCorp); PubMed 20300124 (cited by 3 submitters); PubMed 24236025 (cited by Genomenon, Inc); PubMed 22563919 (cited by Genomenon, Inc and Women's Health and Genetics/Laboratory Corporation of America, LabCorp); PubMed 23724928 (cited by 3 submitters); PubMed 34282462 (cited by Genomenon, Inc); PubMed 18205205 (cited by 5 submitters); PubMed 19844084 (cited by Genomenon, Inc); PubMed 26456105 (cited by 3 submitters); PubMed 11137837 (cited by 6 submitters); PubMed 24386359 (cited by 3 submitters); PubMed 21598360 (cited by Genomenon, Inc and Women's Health and Genetics/Laboratory Corporation of America, LabCorp); PubMed 19621417 (cited by 3 submitters); PubMed 17555407 (cited by 3 submitters); PubMed 19287194 (cited by 5 submitters); PubMed 12911529 (cited by 3 submitters); PubMed 1315715 (cited by 5 submitters); PubMed 20505683 (cited by 4 submitters); PubMed 22695894 (cited by 3 submitters); PubMed 23146289 (cited by 4 submitters); PubMed 26179544 (cited by 3 submitters); PubMed 26424312 (cited by Ambry Genetics and Women's Health and Genetics/Laboratory Corporation of America, LabCorp); PubMed 27160240 (cited by Ambry Genetics and Labcorp Genetics (formerly Invitae), Labcorp); PubMed 30201457 (cited by Ambry Genetics and Women's Health and Genetics/Laboratory Corporation of America, LabCorp); PubMed 30386727 (cited by Ambry Genetics and Women's Health and Genetics/Laboratory Corporation of America, LabCorp); PubMed 30804731 (cited by Ambry Genetics); PubMed 7575533 (cited by Labcorp Genetics (formerly Invitae), Labcorp and Laboratory for Molecular Medicine, Mass General Brigham Personalized Medicine); PubMed 22874111 (cited by 3 submitters); PubMed 22305854 (cited by 3 submitters); PubMed 25382311 (cited by Women's Health and Genetics/Laboratory Corporation of America, LabCorp); PubMed 29330335 (cited by Women's Health and Genetics/Laboratory Corporation of America, LabCorp); PubMed 24613481 (cited by Women's Health and Genetics/Laboratory Corporation of America, LabCorp); PubMed 23307880 (cited by Women's Health and Genetics/Laboratory Corporation of America, LabCorp); PubMed 24718812 (cited by Women's Health and Genetics/Laboratory Corporation of America, LabCorp and Illumina Laboratory Services, Illumina); PubMed 31213654 (cited by Women's Health and Genetics/Laboratory Corporation of America, LabCorp); PubMed 33179747 (cited by Women's Health and Genetics/Laboratory Corporation of America, LabCorp); PubMed 9105656 (cited by Illumina Laboratory Services, Illumina and Laboratory for Molecular Medicine, Mass General Brigham Personalized Medicine); PubMed 23935525 (cited by Illumina Laboratory Services, Illumina); PubMed 18633574 (cited by Laboratory for Molecular Medicine, Mass General Brigham Personalized Medicine).